The following is an entry in ClinVar:

NM_000744.7(CHRNA4):c.180C>G (p.Asp60Glu)

Gene: CHRNA4 (cholinergic receptor nicotinic alpha 4 subunit; minus strand). Cytogenetic location: 20q13.33.
Variant type: single nucleotide variant.
Coding change: c.180C>G on transcript NM_000744.7 (MANE Select); coding-DNA position 180, C replaced by G.
Protein change: p.Asp60Glu; replaces aspartic acid 60 with glutamic acid.
Molecular consequence: missense variant. On other transcripts: 5 prime UTR variant (1), non-coding transcript variant (1).
Genome position (GRCh38, 1-based): chr20:63,359,596, G>C on the plus strand (C>G on the coding strand, the complement: CHRNA4 is on the minus strand). VCF-style: chr20-63359596-G-C. GRCh37 (hg19) VCF-style: chr20-61990948-G-C.
Other names: c.-367C>G (NM_001256573.2); short protein forms D60E.
Identifiers: ClinVar variation 477008 (VCV000477008.7), dbSNP rs112051150, ClinGen allele CA9957954.

ClinVar aggregate classification (germline): Uncertain significance. Review status: criteria provided, multiple submitters, no conflicts (2 of 4 stars). 2 submissions from 2 submitters: Uncertain significance (2). Last evaluated 2023-09-10.

Conditions:
Familial sleep-related hypermotor epilepsy. Also called: Autosomal Dominant Sleep-Related Hypermotor (Hyperkinetic) Epilepsy. Identifiers: Orphanet 98784, MedGen C3696898, MONDO:0000030.

Allele frequency attached by ClinVar (database versions not stated): ExAC 0.00002.

Submissions (2):

Labcorp Genetics (formerly Invitae), Labcorp
Classification: Uncertain significance. Last evaluated: 2023-09-10. Review status: criteria provided, single submitter. Criteria: Invitae Variant Classification Sherloc (09022015). Collection method: clinical testing. Allele origin: germline.
Comment: In summary, the available evidence is currently insufficient to determine the role of this variant in disease. Therefore, it has been classified as a Variant of Uncertain Significance. Advanced modeling of protein sequence and biophysical properties (such as structural, functional, and spatial information, amino acid conservation, physicochemical variation, residue mobility, and thermodynamic stability) performed at Invitae indicates that this missense variant is not expected to disrupt CHRNA4 protein function. ClinVar contains an entry for this variant (Variation ID: 477008). This variant has not been reported in the literature in individuals affected with CHRNA4-related conditions. This variant is present in population databases (rs112051150, gnomAD 0.003%). This sequence change replaces aspartic acid, which is acidic and polar, with glutamic acid, which is acidic and polar, at codon 60 of the CHRNA4 protein (p.Asp60Glu).

Blueprint Genetics
Classification: Uncertain significance. Last evaluated: 2022-01-20. Review status: criteria provided, single submitter. Criteria: ACMG Guidelines, 2015. Collection method: clinical testing. Allele origin: germline.